The following is an entry in ClinVar:

ClinVar aggregate classification (germline): Uncertain significance (1 of 4 stars; one submission).

gnomAD v4.1: 7 of 1,521,626 alleles (0.00046%); highest among the groups gnomAD compares: Non-Finnish European, 0.00062%; 1 homozygote.

Submission:

Ambry Genetics
Classification: Uncertain significance. Last evaluated: 2026-03-19. Review status: criteria provided, single submitter. Criteria: Ambry Variant Classification Scheme 2023. Collection method: clinical testing. Allele origin: germline.
Comment: The c.247T>A (p.C83S) alteration is located in exon 2 (coding exon 2) of the CFHR1 gene. This alteration results from a T to A substitution at nucleotide position 247, causing the cysteine (C) at amino acid position 83 to be replaced by a serine (S). Based on data from gnomAD, the A allele has an overall frequency of <0.001% (1/236708) total alleles studied. The highest observed frequency was 0.001% (1/108120) of European (non-Finnish) alleles. Based on insufficient or conflicting evidence, the clinical significance of this alteration remains unclear.

NM_002113.3(CFHR1):c.247T>A (p.Cys83Ser)

Gene: CFHR1 (complement factor H related 1; plus strand). Cytogenetic location: 1q31.3.
Variant type: single nucleotide variant.
Coding change: c.247T>A on transcript NM_002113.3 (MANE Select); coding-DNA position 247, T replaced by A.
Protein change: p.Cys83Ser; replaces cysteine 83 with serine.
Molecular consequence: missense variant. On other transcripts: intron variant (2).
Genome position (GRCh38, 1-based): chr1:196,825,665, T>A. VCF-style: chr1-196825665-T-A. GRCh37 (hg19) VCF-style: chr1-196794795-T-A.
Other names: c.196T>A, p.Cys66Ser (NM_001379306.1); c.85T>A, p.Cys29Ser (NM_001379307.1); c.82T>A, p.Cys28Ser (NM_001379308.1); c.79T>A, p.Cys27Ser (NM_001379309.1); c.247T>A, p.Cys83Ser (NM_001379311.1); c.59-1164T>A (NM_001379310.1); c.59-1212T>A (NM_001379312.1); short protein forms C27S, C28S, C29S, C66S, C83S.
Identifiers: ClinVar variation 4868801 (VCV004868801.1).